The following is an entry in ClinVar:

ClinVar aggregate classification (germline): Conflicting classifications of pathogenicity. Review status: criteria provided, conflicting classifications (1 of 4 stars). 3 submissions from 2 submitters: Uncertain significance (2); Benign (1). Last evaluated 2022-07-01.

Conditions:
Isolated focal cortical dysplasia type II (FCORD2). Also called: Focal cortical dysplasia type II; CORTICAL DYSPLASIA OF TAYLOR. Identifiers: Orphanet 268994, MedGen C1846385, MONDO:0011818, OMIM 607341, HP:0032051.
Tuberous sclerosis 1 (TSC1). Identifiers: Orphanet 805, MedGen C1854465, MONDO:0008612, OMIM 191100.

Allele frequency attached by ClinVar (database versions not stated): 1000 Genomes Project 0.00020; TOPMed 0.00048; gnomAD exomes 0.00054; gnomAD 0.00058 and 0.00061.
gnomAD v4.1: 273 of 510,884 alleles (0.053%); highest among the groups gnomAD compares: Non-Finnish European, 0.088%; no homozygotes.

Submissions (3):

CeGaT Center for Human Genetics Tuebingen
Classification: Benign. Last evaluated: 2022-07-01. Review status: criteria provided, single submitter. Criteria: CeGaT Center For Human Genetics Tuebingen Variant Classification Criteria Version 2. Collection method: clinical testing. Allele origin: germline. Affected: yes. Observed: 2 variant alleles.
Comment: TSC1: BS1, BS2

Illumina Laboratory Services, Illumina
Classification: Uncertain significance for Tuberous sclerosis 1. Last evaluated: 2018-01-13. Review status: criteria provided, single submitter. Criteria: ICSL Variant Classification Criteria 13 December 2019. Collection method: clinical testing. Allele origin: germline.

Illumina Laboratory Services, Illumina
Classification: Uncertain significance for Isolated focal cortical dysplasia type II. Last evaluated: 2018-01-13. Review status: criteria provided, single submitter. Criteria: ICSL Variant Classification Criteria 13 December 2019. Collection method: clinical testing. Allele origin: germline.

NM_000368.5(TSC1):c.*279T>G

Gene: TSC1 (TSC complex subunit 1; minus strand). Cytogenetic location: 9q34.13.
Variant type: single nucleotide variant.
Coding change: c.*279T>G on transcript NM_000368.5 (MANE Select); 279 bases downstream of the stop codon, T replaced by G.
Molecular consequence: 3 prime UTR variant.
Genome position (GRCh38, 1-based): chr9:132,895,956, A>C on the plus strand (T>G on the coding strand, the complement: TSC1 is on the minus strand). VCF-style: chr9-132895956-A-C. GRCh37 (hg19) VCF-style: chr9-135771343-A-C.
Other names: c.*279T>G (NM_001162426.2, NM_001162427.2, NM_001362177.2).
Identifiers: ClinVar variation 365505 (VCV000365505.29), dbSNP rs554637460, ClinGen allele CA10629353.
Genomic context (GRCh38, chr9:132,895,956, plus strand): 5'-AATTTGGCCTCATATTGCACAGGTTCAAAGGACGCAACCATTTGGGGGGGAAAGGAAGAA[A>C]GTAAAGCTACTGAGGAACACCAACTGGCCCTTGGATTAGAACACACTGCGAGGTAAATGA-3'